The following is an entry in ClinVar:

ClinVar aggregate classification (germline): Uncertain significance. Review status: criteria provided, multiple submitters, no conflicts (2 of 4 stars). 2 submissions from 2 submitters: Uncertain significance (2). Last evaluated 2024-08-31.

Conditions:
Gorlin syndrome. Also called: Nevoid Basal Cell Carcinoma Syndrome; Basal cell nevus syndrome. Identifiers: Orphanet 377, MedGen C0004779, MONDO:0007187.
Hereditary cancer-predisposing syndrome. Also called: Tumor predisposition; Neoplastic Syndromes, Hereditary; Hereditary Cancer Syndrome; Hereditary neoplastic syndrome. Identifiers: Orphanet 140162, MedGen C0027672, MeSH D009386, MONDO:0015356.

Submissions (2):

Labcorp Genetics (formerly Invitae), Labcorp
Classification: Uncertain significance for Gorlin syndrome. Last evaluated: 2024-08-31. Review status: criteria provided, single submitter. Criteria: Invitae Variant Classification Sherloc (09022015). Collection method: clinical testing. Allele origin: germline.
Comment: This sequence change replaces aspartic acid, which is acidic and polar, with tyrosine, which is neutral and polar, at codon 717 of the PTCH1 protein (p.Asp717Tyr). This variant is not present in population databases (gnomAD no frequency). This variant has not been reported in the literature in individuals affected with PTCH1-related conditions. ClinVar contains an entry for this variant (Variation ID: 2626235). Invitae Evidence Modeling of protein sequence and biophysical properties (such as structural, functional, and spatial information, amino acid conservation, physicochemical variation, residue mobility, and thermodynamic stability) indicates that this missense variant is not expected to disrupt PTCH1 protein function with a negative predictive value of 95%. In summary, the available evidence is currently insufficient to determine the role of this variant in disease. Therefore, it has been classified as a Variant of Uncertain Significance.

Ambry Genetics
Classification: Uncertain significance for Hereditary cancer-predisposing syndrome. Last evaluated: 2023-07-30. Review status: criteria provided, single submitter. Criteria: Ambry Variant Classification Scheme 2023. Collection method: clinical testing. Allele origin: germline.
Comment: The p.D717Y variant (also known as c.2149G>T), located in coding exon 14 of the PTCH1 gene, results from a G to T substitution at nucleotide position 2149. The aspartic acid at codon 717 is replaced by tyrosine, an amino acid with highly dissimilar properties. This amino acid position is conserved. In addition, the in silico prediction for this alteration is inconclusive. Since supporting evidence is limited at this time, the clinical significance of this alteration remains unclear.

NM_000264.5(PTCH1):c.2149G>T (p.Asp717Tyr)

Genes: PTCH1 (patched 1; minus strand), LOC100507346 (uncharacterized LOC100507346; plus strand). Cytogenetic location: 9q22.32.
Variant type: single nucleotide variant.
Coding change: c.2149G>T on transcript NM_000264.5 (MANE Select); coding-DNA position 2149, G replaced by T.
Protein change: p.Asp717Tyr; replaces aspartic acid 717 with tyrosine.
Molecular consequence: missense variant. On other transcripts: non-coding transcript variant (2).
Genome position (GRCh38, 1-based): chr9:95,468,852, C>A on the plus strand (G>T on the coding strand, the complement: PTCH1 is on the minus strand). VCF-style: chr9-95468852-C-A. GRCh37 (hg19) VCF-style: chr9-98231134-C-A.
Other names: c.1951G>T, p.Asp651Tyr (NM_001083602.3); c.2146G>T, p.Asp716Tyr (NM_001083603.3); c.1696G>T, p.Asp566Tyr (NM_001083604.3, NM_001083605.3, NM_001083606.3 and 1 more transcripts); c.1993G>T, p.Asp665Tyr (NM_001354918.2); short protein forms D717Y, D651Y, D566Y, D665Y, D716Y.
Identifiers: ClinVar variation 2626235 (VCV002626235.4), dbSNP rs1311707136, ClinGen allele CA374115542.